The following is an entry in ClinVar:

ClinVar aggregate classification (germline): Uncertain significance. Review status: criteria provided, multiple submitters, no conflicts (2 of 4 stars). 2 submissions from 2 submitters: Uncertain significance (2). Last evaluated 2025-09-14.

Conditions:
Pulmonary fibrosis and/or bone marrow failure, Telomere-related, 3. Also called: PULMONARY FIBROSIS AND/OR BONE MARROW FAILURE SYNDROME, TELOMERE-RELATED, 3. Identifiers: Orphanet 2032, MedGen C4225346, MONDO:0014613, OMIM 616373.
Dyskeratosis congenita, autosomal recessive 5 (DKCB5). Identifiers: MedGen C3554656, MONDO:0014076, OMIM 615190.
Inborn genetic diseases. Identifiers: MedGen C0950123, MeSH D030342.

Allele frequency attached by ClinVar (database versions not stated): ExAC 0.00002.
gnomAD v4.1: 6 of 1,612,622 alleles (0.00037%); highest among the groups gnomAD compares: Non-Finnish European, 0.000085%; no homozygotes.

Submissions (2):

Ambry Genetics
Classification: Uncertain significance for Inborn genetic diseases. Last evaluated: 2025-09-14. Review status: criteria provided, single submitter. Criteria: Ambry Variant Classification Scheme 2023. Collection method: clinical testing. Allele origin: germline.
Comment: The p.G410A variant (also known as c.1229G>C), located in coding exon 14 of the RTEL1 gene, results from a G to C substitution at nucleotide position 1229. The glycine at codon 410 is replaced by alanine, an amino acid with similar properties. This amino acid position is conserved. In addition, this alteration is predicted to be tolerated by in silico analysis. Based on the available evidence, the clinical significance of this variant remains unclear.

Labcorp Genetics (formerly Invitae), Labcorp
Classification: Uncertain significance for Dyskeratosis congenita, autosomal recessive 5; Pulmonary fibrosis and/or bone marrow failure, Telomere-related, 3. Last evaluated: 2022-03-19. Review status: criteria provided, single submitter. Criteria: Invitae Variant Classification Sherloc (09022015). Collection method: clinical testing. Allele origin: germline.
Comment: This sequence change replaces glycine, which is neutral and non-polar, with alanine, which is neutral and non-polar, at codon 410 of the RTEL1 protein (p.Gly410Ala). This variant is present in population databases (rs774289758, gnomAD 0.005%). This variant has not been reported in the literature in individuals affected with RTEL1-related conditions. Algorithms developed to predict the effect of missense changes on protein structure and function (SIFT, PolyPhen-2, Align-GVGD) all suggest that this variant is likely to be tolerated. In summary, the available evidence is currently insufficient to determine the role of this variant in disease. Therefore, it has been classified as a Variant of Uncertain Significance.

NM_001283009.2(RTEL1):c.1229G>C (p.Gly410Ala)

Genes: RTEL1 (regulator of telomere elongation helicase 1; plus strand), RTEL1-TNFRSF6B (RTEL1-TNFRSF6B readthrough (NMD candidate); plus strand). Cytogenetic location: 20q13.33.
Variant type: single nucleotide variant.
Coding change: c.1229G>C on transcript NM_001283009.2 (MANE Select); coding-DNA position 1229, G replaced by C.
Protein change: p.Gly410Ala; replaces glycine 410 with alanine.
Molecular consequence: missense variant. On other transcripts: non-coding transcript variant (1).
Genome position (GRCh38, 1-based): chr20:63,685,560, G>C. VCF-style: chr20-63685560-G-C. GRCh37 (hg19) VCF-style: chr20-62316913-G-C.
Other names: c.560G>C, p.Gly187Ala (NM_001283010.1); c.1229G>C, p.Gly410Ala (NM_016434.4); c.1301G>C, p.Gly434Ala (NM_032957.5); short protein forms G187A, G410A, G434A.
Identifiers: ClinVar variation 2114195 (VCV002114195.5), dbSNP rs774289758, ClinGen allele CA9964681.